The following is an entry in ClinVar:

ClinVar aggregate classification (germline): Uncertain significance (1 of 4 stars; one submission).

Allele frequency attached by ClinVar (database versions not stated): gnomAD exomes below 0.00001; gnomAD 0.00001.
gnomAD v4.1: 3 of 1,613,588 alleles (0.00019%); no homozygotes.

Submission:

Labcorp Genetics (formerly Invitae), Labcorp
Classification: Uncertain significance. Last evaluated: 2022-01-16. Review status: criteria provided, single submitter. Criteria: Invitae Variant Classification Sherloc (09022015). Collection method: clinical testing. Allele origin: germline.
Comment: In summary, the available evidence is currently insufficient to determine the role of this variant in disease. Therefore, it has been classified as a Variant of Uncertain Significance. Algorithms developed to predict the effect of missense changes on protein structure and function are either unavailable or do not agree on the potential impact of this missense change (SIFT: "Deleterious"; PolyPhen-2: "Probably Damaging"; Align-GVGD: "Class C0"). This variant has not been reported in the literature in individuals affected with GGCX-related conditions. This variant is present in population databases (no rsID available, gnomAD 0.01%). This sequence change replaces leucine, which is neutral and non-polar, with proline, which is neutral and non-polar, at codon 163 of the GGCX protein (p.Leu163Pro).

NM_000821.7(GGCX):c.488T>C (p.Leu163Pro)

Gene: GGCX (gamma-glutamyl carboxylase; minus strand). Cytogenetic location: 2p11.2.
Variant type: single nucleotide variant.
Coding change: c.488T>C on transcript NM_000821.7 (MANE Select); coding-DNA position 488, T replaced by C.
Protein change: p.Leu163Pro; replaces leucine 163 with proline.
Molecular consequence: missense variant.
Genome position (GRCh38, 1-based): chr2:85,558,491, A>G on the plus strand (T>C on the coding strand, the complement: GGCX is on the minus strand). VCF-style: chr2-85558491-A-G. GRCh37 (hg19) VCF-style: chr2-85785614-A-G.
Other names: c.317T>C, p.Leu106Pro (NM_001142269.4); short protein forms L106P, L163P.
Identifiers: ClinVar variation 2086484 (VCV002086484.4), dbSNP rs1179993331, ClinGen allele CA347491176.